The following is an entry in ClinVar:

ClinVar aggregate classification (germline): Uncertain significance. Review status: criteria provided, multiple submitters, no conflicts (2 of 4 stars). 2 submissions from 2 submitters: Uncertain significance (2). Last evaluated 2025-05-29.

Conditions:
VPS13B-related disorder. Also called: VPS13B-related condition.

Submissions (2):

PreventionGenetics, part of Exact Sciences
Classification: Uncertain significance for VPS13B-related condition. Last evaluated: 2025-05-29. Review status: criteria provided, single submitter. Criteria: ACMG Guidelines, 2015. Collection method: clinical testing. Allele origin: germline.
Comment: The VPS13B c.6853G>A variant is predicted to result in the amino acid substitution p.Val2285Ile. To our knowledge, this variant has not been reported in the literature or in a large population database (gnomAD), indicating this variant is rare. At this time, the clinical significance of this variant is uncertain due to the absence of conclusive functional and genetic evidence.

CeGaT Center for Human Genetics Tuebingen
Classification: Uncertain significance. Last evaluated: 2024-10-01. Review status: criteria provided, single submitter. Criteria: CeGaT Center For Human Genetics Tuebingen Variant Classification Criteria Version 2. Collection method: clinical testing. Allele origin: germline. Affected: yes. Observed: 1 variant allele.
Comment: VPS13B: PM2, BP4

NM_152564.5(VPS13B):c.6853G>A (p.Val2285Ile)

Gene: VPS13B (vacuolar protein sorting 13 homolog B; plus strand). Cytogenetic location: 8q22.2.
Variant type: single nucleotide variant.
Coding change: c.6853G>A on transcript NM_152564.5 (MANE Select); coding-DNA position 6853, G replaced by A.
Protein change: p.Val2285Ile; replaces valine 2285 with isoleucine.
Molecular consequence: missense variant.
Genome position (GRCh38, 1-based): chr8:99,720,540, G>A. VCF-style: chr8-99720540-G-A. GRCh37 (hg19) VCF-style: chr8-100732768-G-A.
Other names: c.6928G>A, p.Val2310Ile (NM_017890.5); short protein forms V2285I, V2310I.
Identifiers: ClinVar variation 3388658 (VCV003388658.15).